The following is an entry in ClinVar:

NM_014014.5(SNRNP200):c.945T>A (p.Phe315Leu)

Gene: SNRNP200 (small nuclear ribonucleoprotein U5 subunit 200; minus strand). Cytogenetic location: 2q11.2.
Variant type: single nucleotide variant.
Coding change: c.945T>A on transcript NM_014014.5 (MANE Select); coding-DNA position 945, T replaced by A.
Protein change: p.Phe315Leu; replaces phenylalanine 315 with leucine.
Molecular consequence: missense variant.
Genome position (GRCh38, 1-based): chr2:96,298,640, A>T on the plus strand (T>A on the coding strand, the complement: SNRNP200 is on the minus strand). VCF-style: chr2-96298640-A-T. GRCh37 (hg19) VCF-style: chr2-96964378-A-T.
Other names: short protein forms F315L.
Identifiers: ClinVar variation 2753292 (VCV002753292.3), dbSNP rs2467351916, ClinGen allele CA347684660.

ClinVar aggregate classification (germline): Uncertain significance (1 of 4 stars; one submission).

Submission:

Labcorp Genetics (formerly Invitae), Labcorp
Classification: Uncertain significance. Last evaluated: 2023-08-17. Review status: criteria provided, single submitter. Criteria: Invitae Variant Classification Sherloc (09022015). Collection method: clinical testing. Allele origin: germline.
Comment: In summary, the available evidence is currently insufficient to determine the role of this variant in disease. Therefore, it has been classified as a Variant of Uncertain Significance. Advanced modeling of protein sequence and biophysical properties (such as structural, functional, and spatial information, amino acid conservation, physicochemical variation, residue mobility, and thermodynamic stability) performed at Invitae indicates that this missense variant is expected to disrupt SNRNP200 protein function. This variant has not been reported in the literature in individuals affected with SNRNP200-related conditions. This variant is not present in population databases (gnomAD no frequency). This sequence change replaces phenylalanine, which is neutral and non-polar, with leucine, which is neutral and non-polar, at codon 315 of the SNRNP200 protein (p.Phe315Leu).